The following is an entry in ClinVar:

ClinVar aggregate classification (germline): Benign. Review status: criteria provided, multiple submitters, no conflicts (2 of 4 stars). 13 submissions from 13 submitters: Benign (10). 3 of the submissions do not count toward it. Last evaluated 2026-02-03.

Conditions:
Norman-Roberts syndrome (LIS2). Also called: Lissencephaly 2 (Norman-Roberts type). Identifiers: Orphanet 89844, MedGen C0796089, MONDO:0009760, OMIM 257320.
Familial temporal lobe epilepsy 7. Identifiers: Orphanet 101046, MedGen C4225327, MONDO:0014639, OMIM 616436.

Allele frequency attached by ClinVar (database versions not stated): gnomAD exomes 0.46334; ExAC 0.47219; ESP Exome Variant Server 0.49546; gnomAD 0.49951 and 0.50538; TOPMed 0.51653; 1000 Genomes Project 30x 0.64397; 1000 Genomes Project 0.64836.
gnomAD v4.1: 647,900 of 1,613,780 alleles (40%); highest among the groups gnomAD compares: East Asian, 80%; 143,927 homozygotes.

Submissions (13):

Labcorp Genetics (formerly Invitae), Labcorp
Classification: Benign for Familial temporal lobe epilepsy 7; Norman-Roberts syndrome. Last evaluated: 2026-02-03. Review status: criteria provided, single submitter. Criteria: Invitae Variant Classification Sherloc (09022015). Collection method: clinical testing. Allele origin: germline.

Blueprint Genetics
Classification: Benign. Last evaluated: 2024-11-27. Review status: criteria provided, single submitter. Criteria: ACMG Guidelines, 2015. Collection method: clinical testing. Allele origin: germline.

Genome-Nilou Lab
Classification: Benign for Norman-Roberts syndrome. Last evaluated: 2021-11-07. Review status: criteria provided, single submitter. Criteria: ACMG Guidelines, 2015. Collection method: clinical testing. Allele origin: germline. Affected: no.

Athena Diagnostics
Classification: Benign. Last evaluated: 2018-05-07. Review status: criteria provided, single submitter. Criteria: Athena Diagnostics Criteria. Collection method: clinical testing. Allele origin: germline.

Mayo Clinic Laboratories, Mayo Clinic
Classification: Benign. Last evaluated: 2018-04-02. Review status: criteria provided, single submitter. Criteria: ACMG Guidelines, 2015. Collection method: clinical testing. Allele origin: germline. Observed: 342 variant alleles.

Illumina Laboratory Services, Illumina
Classification: Benign for Norman-Roberts syndrome. Last evaluated: 2018-01-12. Review status: criteria provided, single submitter. Criteria: ICSL Variant Classification Criteria 13 December 2019. Collection method: clinical testing. Allele origin: germline.
Comment: This variant was observed in the ICSL laboratory as part of a predisposition screen in an ostensibly healthy population. It had not been previously curated by ICSL or reported in the Human Gene Mutation Database (HGMD: prior to June 1st, 2018), and was therefore a candidate for classification through an automated scoring system. Utilizing variant allele frequency, disease prevalence and penetrance estimates, and inheritance mode, an automated score was calculated to assess if this variant is too frequent to cause the disease. Based on the score and internal cut-off values, a variant classified as benign is not then subjected to further curation. The score for this variant resulted in a classification of benign for this disease.

GeneDx
Classification: Benign. Last evaluated: 2015-03-03. Review status: criteria provided, single submitter. Criteria: GeneDx Variant Classification Process June 2021. Collection method: clinical testing. Allele origin: germline. Affected: yes.

Eurofins Ntd Llc (ga)
Classification: Benign. Last evaluated: 2012-07-03. Review status: criteria provided, single submitter. Criteria: EGL Classification Definitions 2015. Collection method: clinical testing. Allele origin: germline. Observed: 1 variant allele, 1 heterozygote.

Breakthrough Genomics
Classification: Benign. Review status: criteria provided, single submitter. Criteria: ACMG Guidelines, 2015. Collection method: not provided. Allele origin: germline. Inheritance: Autosomal recessive inheritance. Affected: yes.

PreventionGenetics, part of Exact Sciences
Classification: Benign. Review status: criteria provided, single submitter. Criteria: ACMG Guidelines, 2015. Collection method: clinical testing. Allele origin: germline.

Clinical Genetics, Academic Medical Center
Classification: Benign. Review status: no assertion criteria provided. Collection method: clinical testing. Allele origin: germline. Affected: yes. Study: VKGL Data-share Consensus. Not counted in ClinVar's aggregate classification.

Diagnostic Laboratory, Department of Genetics, University Medical Center Groningen
Classification: Benign for Norman-Roberts syndrome. Review status: no assertion criteria provided. Collection method: clinical testing. Allele origin: germline. Affected: yes. Study: VKGL Data-share Consensus. Not counted in ClinVar's aggregate classification.

Genetic Services Laboratory, University of Chicago
Classification: Likely benign for AllHighlyPenetrant. Review status: no assertion criteria provided. Collection method: clinical testing. Allele origin: germline. Inheritance: Autosomal recessive inheritance. Not counted in ClinVar's aggregate classification.
Comment: Likely benign based on allele frequency in 1000 Genomes Project or ESP global frequency and its presence in a patient with a rare or unrelated disease phenotype. NOT Sanger confirmed.

NM_005045.4(RELN):c.8046T>C (p.His2682=)

Gene: RELN (reelin; minus strand). Cytogenetic location: 7q22.1.
Variant type: single nucleotide variant.
Coding change: c.8046T>C on transcript NM_005045.4 (MANE Select); coding-DNA position 8046, T replaced by C.
Protein change: p.His2682=; no amino-acid change (histidine 2682 retained).
Molecular consequence: synonymous variant.
Genome position (GRCh38, 1-based): chr7:103,515,258, A>G on the plus strand (T>C on the coding strand, the complement: RELN is on the minus strand). VCF-style: chr7-103515258-A-G. GRCh37 (hg19) VCF-style: chr7-103155705-A-G.
Other names: p.His2682=; c.8046T>C, p.His2682= (NM_173054.3).
Identifiers: ClinVar variation 95230 (VCV000095230.30), dbSNP rs2229864, ClinGen allele CA148352.
Genomic context (GRCh38, chr7:103,515,258, plus strand): 5'-TTCCATAAACATGTCAAAGGCGATCCTCCCGACAGGGCCGGCATCTGCAGGGGAGCGCTC[A>G]TGCTGGGGTACTGGGGCGCTGCTGAAGGTGTCCAGCATAACGGTCCTTTGGTCAGCAGAG-3'
Protein context (NP_005036.2, residues 2672-2692): DTFSSAPVPQ[His2682=]ERSPADAGPV